The following is an entry in ClinVar:

ClinVar aggregate classification (germline): Uncertain significance (1 of 4 stars; one submission).

Submission:

GeneDx
Classification: Uncertain significance. Last evaluated: 2023-07-20. Review status: criteria provided, single submitter. Criteria: GeneDx Variant Classification Process June 2021. Collection method: clinical testing. Allele origin: germline. Affected: yes.
Comment: Not observed at significant frequency in large population cohorts (gnomAD); In silico analysis supports that this missense variant does not alter protein structure/function; Has not been previously published as pathogenic or benign to our knowledge

NM_020297.4(ABCC9):c.2038T>A (p.Ser680Thr)

Gene: ABCC9 (ATP binding cassette subfamily C member 9; minus strand). Cytogenetic location: 12p12.1.
Variant type: single nucleotide variant.
Coding change: c.2038T>A on transcript NM_020297.4 (MANE Select); coding-DNA position 2038, T replaced by A.
Protein change: p.Ser680Thr; replaces serine 680 with threonine.
Molecular consequence: missense variant.
Genome position (GRCh38, 1-based): chr12:21,875,708, A>T on the plus strand (T>A on the coding strand, the complement: ABCC9 is on the minus strand). VCF-style: chr12-21875708-A-T. GRCh37 (hg19) VCF-style: chr12-22028642-A-T.
Other names: c.2038T>A, p.Ser680Thr (NM_001377273.1, NM_005691.4); c.1174T>A, p.Ser392Thr (NM_001377274.1); short protein forms S392T, S680T.
Identifiers: ClinVar variation 3361358 (VCV003361358.1).
Genomic context (GRCh38, chr12:21,875,708, plus strand): 5'-TCTTACCTGTTGGAATTCGAATATCTATATTGGATAATGTAGCTAAACCACTGCCCCATG[A>T]AAAGTATCCATTTGTGACCTACAAAATAAAAATACAGAAATTAAATTATATGTGTGGTAT-3'
Protein context (NP_064693.2, residues 670-690): IAIKVTNGYF[Ser680Thr]WGSGLATLSN